The following is an entry in ClinVar:

NM_001170629.2(CHD8):c.1707C>G (p.Ser569Arg)

Gene: CHD8 (chromodomain helicase DNA binding protein 8; minus strand). Cytogenetic location: 14q11.2.
Variant type: single nucleotide variant.
Coding change: c.1707C>G on transcript NM_001170629.2 (MANE Select); coding-DNA position 1707, C replaced by G.
Protein change: p.Ser569Arg; replaces serine 569 with arginine.
Molecular consequence: missense variant.
Genome position (GRCh38, 1-based): chr14:21,426,137, G>C on the plus strand (C>G on the coding strand, the complement: CHD8 is on the minus strand). VCF-style: chr14-21426137-G-C. GRCh37 (hg19) VCF-style: chr14-21894296-G-C.
Other names: c.870C>G, p.Ser290Arg (NM_020920.4); short protein forms S569R, S290R.
Identifiers: ClinVar variation 3492092 (VCV003492092.1).

ClinVar aggregate classification (germline): Uncertain significance (1 of 4 stars; one submission).

Conditions:
Inborn genetic diseases. Identifiers: MedGen C0950123, MeSH D030342.

Submission:

Ambry Genetics
Classification: Uncertain significance for Inborn genetic diseases. Last evaluated: 2024-12-02. Review status: criteria provided, single submitter. Criteria: Ambry Variant Classification Scheme 2023. Collection method: clinical testing. Allele origin: germline.
Comment: The c.1707C>G (p.S569R) alteration is located in exon 4 (coding exon 4) of the CHD8 gene. This alteration results from a C to G substitution at nucleotide position 1707, causing the serine (S) at amino acid position 569 to be replaced by an arginine (R). This variant was not reported in population-based cohorts in the Genome Aggregation Database (gnomAD). This amino acid position is well conserved in available vertebrate species. This missense alteration is located in a region that has a low rate of benign missense variation (Lek, 2016; Firth, 2009). The in silico prediction for this alteration is inconclusive. Based on insufficient or conflicting evidence, the clinical significance of this alteration remains unclear.